The following is an entry in ClinVar:

NM_014208.3(DSPP):c.353C>T (p.Thr118Ile)

Genes: DMP1-AS1 (DMP1 and DSPP antisense RNA 1; minus strand), DSPP (dentin sialophosphoprotein; plus strand). Cytogenetic location: 4q22.1.
Variant type: single nucleotide variant.
Coding change: c.353C>T on transcript NM_014208.3 (MANE Select); coding-DNA position 353, C replaced by T.
Protein change: p.Thr118Ile; replaces threonine 118 with isoleucine.
Molecular consequence: missense variant.
Genome position (GRCh38, 1-based): chr4:87,612,539, C>T. VCF-style: chr4-87612539-C-T. GRCh37 (hg19) VCF-style: chr4-88533691-C-T.
Other names: short protein forms T118I.
Identifiers: ClinVar variation 2635882 (VCV002635882.3), dbSNP rs567395152, ClinGen allele CA3000878.
Genomic context (GRCh38, chr4:87,612,539, plus strand): 5'-CATTAGCAAACGAAGAGGGGAATATTGAGGGCTGGAATGGGGACACAGGAAAAGCAGAAA[C>T]ATATGGTCATGATGGAATACATGGGAAAGAAGAAAACATCACAGCAAATGGCATCCAGGG-3'
Protein context (NP_055023.2, residues 108-128): GWNGDTGKAE[Thr118Ile]YGHDGIHGKE

ClinVar aggregate classification (germline): Uncertain significance. Review status: criteria provided, single submitter (1 of 4 stars). 2 submissions from 2 submitters: Uncertain significance (1). 1 of the submissions does not count toward it. Last evaluated 2025-11-26.

Conditions:
Inborn genetic diseases. Identifiers: MedGen C0950123, MeSH D030342.
DSPP-related disorder. Also called: DSPP-related condition.

Allele frequency attached by ClinVar (database versions not stated): ExAC 0.00001; gnomAD 0.00003; 1000 Genomes Project 0.00020; gnomAD exomes 0.00001; 1000 Genomes Project 30x 0.00016; TOPMed 0.00003.
gnomAD v4.1: 21 of 1,613,976 alleles (0.0013%); highest among the groups gnomAD compares: Middle Eastern, 0.016%; no homozygotes.

Submissions (2):

Ambry Genetics
Classification: Uncertain significance for Inborn genetic diseases. Last evaluated: 2025-11-26. Review status: criteria provided, single submitter. Criteria: Ambry Variant Classification Scheme 2023. Collection method: clinical testing. Allele origin: germline.

PreventionGenetics, part of Exact Sciences
Classification: Uncertain significance for DSPP-related condition. Last evaluated: 2024-09-23. Review status: no assertion criteria provided. Collection method: clinical testing. Allele origin: germline. Not counted in ClinVar's aggregate classification.
Comment: The DSPP c.353C>T variant is predicted to result in the amino acid substitution p.Thr118Ile. To our knowledge, this variant has not been reported in the literature. At PreventionGenetics, we previously identified this variant in two other, unrelated patients with hearing loss and autism spectrum disorder (Internal Data, PreventionGenetics). This variant is reported in 0.00089% of alleles in individuals of European (non-Finnish) descent in gnomAD. At this time, the clinical significance of this variant is uncertain due to the absence of conclusive functional and genetic evidence.